The following is an entry in ClinVar:

NM_000059.4(BRCA2):c.292T>A (p.Leu98Ile)

Gene: BRCA2 (BRCA2 DNA repair associated; plus strand). Cytogenetic location: 13q13.1.
Variant type: single nucleotide variant.
Coding change: c.292T>A on transcript NM_000059.4 (MANE Select); coding-DNA position 292, T replaced by A.
Protein change: p.Leu98Ile; replaces leucine 98 with isoleucine.
Molecular consequence: missense variant.
Genome position (GRCh38, 1-based): chr13:32,319,301, T>A. VCF-style: chr13-32319301-T-A. GRCh37 (hg19) VCF-style: chr13-32893438-T-A.
Other names: short protein forms L98I.
Identifiers: ClinVar variation 479403 (VCV000479403.5), dbSNP rs80358540, ClinGen allele CA387754644.

ClinVar aggregate classification (germline): Uncertain significance (1 of 4 stars; one submission).

Conditions:
Hereditary cancer-predisposing syndrome. Also called: Neoplastic Syndromes, Hereditary; Hereditary Cancer Syndrome; Hereditary neoplastic syndrome; Tumor predisposition. Identifiers: Orphanet 140162, MedGen C0027672, MeSH D009386, MONDO:0015356.

Submission:

Ambry Genetics
Classification: Uncertain significance for Hereditary cancer-predisposing syndrome. Last evaluated: 2017-08-30. Review status: criteria provided, single submitter. Criteria: Ambry Variant Classification Scheme 2023. Collection method: clinical testing. Allele origin: germline.
Comment: The p.L98I variant (also known as c.292T>A), located in coding exon 2 of the BRCA2 gene, results from a T to A substitution at nucleotide position 292. The leucine at codon 98 is replaced by isoleucine, an amino acid with highly similar properties. This amino acid position is not well conserved in available vertebrate species. In addition, this alteration is predicted to be tolerated by in silico analysis. Since supporting evidence is limited at this time, the clinical significance of this alteration remains unclear.